The following is an entry in ClinVar:

NM_001282531.3(ADNP):c.424A>G (p.Thr142Ala)

Gene: ADNP (activity dependent neuroprotector homeobox; minus strand). Cytogenetic location: 20q13.13.
Variant type: single nucleotide variant.
Coding change: c.424A>G on transcript NM_001282531.3 (MANE Select); coding-DNA position 424, A replaced by G.
Protein change: p.Thr142Ala; replaces threonine 142 with alanine.
Molecular consequence: missense variant.
Genome position (GRCh38, 1-based): chr20:50,894,290, T>C on the plus strand (A>G on the coding strand, the complement: ADNP is on the minus strand). VCF-style: chr20-50894290-T-C. GRCh37 (hg19) VCF-style: chr20-49510827-T-C.
Other names: c.424A>G, p.Thr142Ala (NM_001282532.2, NM_001347511.2, NM_015339.5 and 1 more transcripts); short protein forms T142A.
Identifiers: ClinVar variation 3339169 (VCV003339169.1).

ClinVar aggregate classification (germline): Uncertain significance (1 of 4 stars; one submission).

Submission:

Women's Health and Genetics/Laboratory Corporation of America, LabCorp
Classification: Uncertain significance. Last evaluated: 2024-07-03. Review status: criteria provided, single submitter. Criteria: LabCorp Variant Classification Summary - May 2015. Collection method: clinical testing. Allele origin: germline.
Comment: Variant summary: ADNP c.424A>G (p.Thr142Ala) results in a non-conservative amino acid change located in the Zinc finger C2H2-type (IPR013087) of the encoded protein sequence. Three of five in-silico tools predict a benign effect of the variant on protein function. The variant was absent in 251090 control chromosomes (gnomAD). The available data on variant occurrences in the general population are insufficient to allow any conclusion about variant significance. To our knowledge, no occurrence of c.424A>G in individuals affected with ADNP-Related Multiple Congenital Anomalies-Intellectual Disability-Autism Spectrum Disorder and no experimental evidence demonstrating its impact on protein function have been reported. No submitters have cited clinical-significance assessments for this variant to ClinVar. Based on the evidence outlined above, the variant was classified as uncertain significance.